The following is an entry in ClinVar:

ClinVar aggregate classification (germline): Uncertain significance (1 of 4 stars; one submission).

Conditions:
Ehlers-Danlos syndrome, classic type, 1 (EDSCL1). Also called: Ehlers-Danlos Syndrome, Classic Type, COL5A1-Related; EDS I; Ehlers-Danlos syndrome, type 1; EHLERS-DANLOS SYNDROME, GRAVIS TYPE; EHLERS-DANLOS SYNDROME, SEVERE CLASSIC TYPE. Identifiers: MedGen C0268335, MONDO:0019567, OMIM 130000.

Allele frequency attached by ClinVar (database versions not stated): gnomAD exomes below 0.00001.
gnomAD v4.1: 2 of 1,611,266 alleles (0.00012%); highest among the groups gnomAD compares: Non-Finnish European, 0.00017%; no homozygotes.

Submission:

Labcorp Genetics (formerly Invitae), Labcorp
Classification: Uncertain significance for Ehlers-Danlos syndrome, classic type, 1. Last evaluated: 2022-08-23. Review status: criteria provided, single submitter. Criteria: Invitae Variant Classification Sherloc (09022015). Collection method: clinical testing. Allele origin: germline.
Comment: Advanced modeling of protein sequence and biophysical properties (such as structural, functional, and spatial information, amino acid conservation, physicochemical variation, residue mobility, and thermodynamic stability) performed at Invitae indicates that this missense variant is not expected to disrupt COL5A1 protein function. In summary, the available evidence is currently insufficient to determine the role of this variant in disease. Therefore, it has been classified as a Variant of Uncertain Significance. ClinVar contains an entry for this variant (Variation ID: 529267). This variant has not been reported in the literature in individuals affected with COL5A1-related conditions. This variant is not present in population databases (gnomAD no frequency). This sequence change replaces lysine, which is basic and polar, with glutamic acid, which is acidic and polar, at codon 1433 of the COL5A1 protein (p.Lys1433Glu).

NM_000093.5(COL5A1):c.4297A>G (p.Lys1433Glu)

Gene: COL5A1 (collagen type V alpha 1 chain; plus strand). Cytogenetic location: 9q34.3.
Variant type: single nucleotide variant.
Coding change: c.4297A>G on transcript NM_000093.5 (MANE Select); coding-DNA position 4297, A replaced by G.
Protein change: p.Lys1433Glu; replaces lysine 1433 with glutamic acid.
Molecular consequence: missense variant.
Genome position (GRCh38, 1-based): chr9:134,818,722, A>G. VCF-style: chr9-134818722-A-G. GRCh37 (hg19) VCF-style: chr9-137710568-A-G.
Other names: c.4297A>G, p.Lys1433Glu (NM_001278074.1); short protein forms K1433E.
Identifiers: ClinVar variation 529267 (VCV000529267.10), dbSNP rs1554806543, ClinGen allele CA375457257.